The following is an entry in ClinVar:

NM_004304.5(ALK):c.40C>T (p.Leu14Phe)

Gene: ALK (ALK receptor tyrosine kinase; minus strand). Cytogenetic location: 2p23.1.
Variant type: single nucleotide variant.
Coding change: c.40C>T on transcript NM_004304.5 (MANE Select); coding-DNA position 40, C replaced by T.
Protein change: p.Leu14Phe; replaces leucine 14 with phenylalanine.
Molecular consequence: missense variant.
Genome position (GRCh38, 1-based): chr2:29,920,620, G>A on the plus strand (C>T on the coding strand, the complement: ALK is on the minus strand). VCF-style: chr2-29920620-G-A. GRCh37 (hg19) VCF-style: chr2-30143486-G-A.
Other names: c.40C>T (NM_004304.4); short protein forms L14F.
Identifiers: ClinVar variation 1966621 (VCV001966621.6), dbSNP rs1667971309, ClinGen allele CA346590802.

ClinVar aggregate classification (germline): Uncertain significance. Review status: criteria provided, multiple submitters, no conflicts (2 of 4 stars). 2 submissions from 2 submitters: Uncertain significance (2). Last evaluated 2025-05-14.

Conditions:
Neuroblastoma, susceptibility to, 3. Also called: ALK-Related Neuroblastic Tumor Susceptibility. Identifiers: Orphanet 635, MedGen C2751681, MONDO:0013083, OMIM 613014.
Hereditary cancer-predisposing syndrome. Also called: Hereditary neoplastic syndrome; Neoplastic Syndromes, Hereditary; Tumor predisposition; Hereditary Cancer Syndrome. Identifiers: Orphanet 140162, MedGen C0027672, MeSH D009386, MONDO:0015356.

Allele frequency attached by ClinVar (database versions not stated): gnomAD exomes below 0.00001; TOPMed below 0.00001.
gnomAD v4.1: 1 of 1,544,364 alleles (0.000065%); highest among the groups gnomAD compares: Non-Finnish European, 0.000087%; no homozygotes.

Submissions (2):

Ambry Genetics
Classification: Uncertain significance for Hereditary cancer-predisposing syndrome. Last evaluated: 2025-05-14. Review status: criteria provided, single submitter. Criteria: Ambry Variant Classification Scheme 2023. Collection method: clinical testing. Allele origin: germline.
Comment: The p.L14F variant (also known as c.40C>T), located in coding exon 1 of the ALK gene, results from a C to T substitution at nucleotide position 40. The leucine at codon 14 is replaced by phenylalanine, an amino acid with highly similar properties. This amino acid position is not well conserved in available vertebrate species. In addition, this alteration is predicted to be tolerated by in silico analysis. Based on the available evidence, the clinical significance of this variant remains unclear.

Labcorp Genetics (formerly Invitae), Labcorp
Classification: Uncertain significance for Neuroblastoma, susceptibility to, 3. Last evaluated: 2022-06-28. Review status: criteria provided, single submitter. Criteria: Invitae Variant Classification Sherloc (09022015). Collection method: clinical testing. Allele origin: germline.
Comment: In summary, the available evidence is currently insufficient to determine the role of this variant in disease. Therefore, it has been classified as a Variant of Uncertain Significance. Algorithms developed to predict the effect of missense changes on protein structure and function are either unavailable or do not agree on the potential impact of this missense change (SIFT: "Deleterious"; PolyPhen-2: "Benign"; Align-GVGD: "Class C0"). This variant has not been reported in the literature in individuals affected with ALK-related conditions. This variant is not present in population databases (gnomAD no frequency). This sequence change replaces leucine, which is neutral and non-polar, with phenylalanine, which is neutral and non-polar, at codon 14 of the ALK protein (p.Leu14Phe).